The following is an entry in ClinVar:

NM_000127.3(EXT1):c.1743G>A (p.Val581=)

Gene: EXT1 (exostosin glycosyltransferase 1; minus strand). Cytogenetic location: 8q24.11.
Variant type: single nucleotide variant.
Coding change: c.1743G>A on transcript NM_000127.3 (MANE Select); coding-DNA position 1743, G replaced by A.
Protein change: p.Val581=; no amino-acid change (valine 581 retained).
Molecular consequence: synonymous variant.
Genome position (GRCh38, 1-based): chr8:117,807,357, C>T on the plus strand (G>A on the coding strand, the complement: EXT1 is on the minus strand). VCF-style: chr8-117807357-C-T. GRCh37 (hg19) VCF-style: chr8-118819596-C-T.
Identifiers: ClinVar variation 706999 (VCV000706999.16), dbSNP rs375284779, ClinGen allele CA4854019.

ClinVar aggregate classification (germline): Conflicting classifications of pathogenicity. Review status: criteria provided, conflicting classifications (1 of 4 stars). 3 submissions from 3 submitters: Uncertain significance (1); Likely benign (2). Last evaluated 2026-01-17.

Conditions:
Multiple congenital exostosis (EXT). Also called: Multiple exostoses; MULTIPLE CARTILAGINOUS EXOSTOSES; Multiple osteochondromas; Hereditary multiple exostoses; Hereditary multiple exostosis; Hereditary multiple osteochondromas. Identifiers: Orphanet 321, MedGen C0015306, MONDO:0005508, HP:0002762.

Allele frequency attached by ClinVar (database versions not stated): gnomAD exomes 0.00002 and 0.00008; gnomAD 0.00004; ExAC 0.00007; TOPMed 0.00007.
gnomAD v4.1: 64 of 1,614,082 alleles (0.004%); highest among the groups gnomAD compares: East Asian, 0.056%; 1 homozygote.

Submissions (3):

Labcorp Genetics (formerly Invitae), Labcorp
Classification: Likely benign for Multiple congenital exostosis. Last evaluated: 2026-01-17. Review status: criteria provided, single submitter. Criteria: Invitae Variant Classification Sherloc (09022015). Collection method: clinical testing. Allele origin: germline.

Blueprint Genetics
Classification: Likely benign. Last evaluated: 2024-09-13. Review status: criteria provided, single submitter. Criteria: ACMG Guidelines, 2015. Collection method: clinical testing. Allele origin: germline.

Illumina Laboratory Services, Illumina
Classification: Uncertain significance for Exostoses, multiple, type 1. Last evaluated: 2017-04-27. Review status: criteria provided, single submitter. Criteria: ICSL Variant Classification Criteria 13 December 2019. Collection method: clinical testing. Allele origin: germline.
Comment: This variant was observed as part of a predisposition screen in an ostensibly healthy population. A literature search was performed for the gene, cDNA change, and amino acid change (where applicable). Publications were found based on this search. However, the evidence from the literature, in combination with allele frequency data from public databases where available, was not sufficient to rule this variant in or out of causing disease. Therefore, this variant is classified as a variant of unknown significance.

Literature cited by the submitters: PubMed 12032595 (cited by Illumina Laboratory Services, Illumina); PubMed 19810120 (cited by Illumina Laboratory Services, Illumina).